The following is an entry in ClinVar:

NM_198503.5(KCNT2):c.2674A>G (p.Met892Val)

Gene: KCNT2 (potassium sodium-activated channel subfamily T member 2; minus strand). Cytogenetic location: 1q31.3.
Variant type: single nucleotide variant.
Coding change: c.2674A>G on transcript NM_198503.5 (MANE Select); coding-DNA position 2674, A replaced by G.
Protein change: p.Met892Val; replaces methionine 892 with valine.
Molecular consequence: missense variant. On other transcripts: non-coding transcript variant (2).
Genome position (GRCh38, 1-based): chr1:196,285,680, T>C on the plus strand (A>G on the coding strand, the complement: KCNT2 is on the minus strand). VCF-style: chr1-196285680-T-C. GRCh37 (hg19) VCF-style: chr1-196254810-T-C.
Other names: c.2602A>G, p.Met868Val (NM_001287819.3); c.2452A>G, p.Met818Val (NM_001287820.3); c.2674A>G (NM_198503.2); short protein forms M818V, M868V, M892V.
Identifiers: ClinVar variation 1341792 (VCV001341792.3), dbSNP rs1219046745, ClinGen allele CA343975116.

ClinVar aggregate classification (germline): Uncertain significance. Review status: criteria provided, multiple submitters, no conflicts (2 of 4 stars). 3 submissions from 3 submitters: Uncertain significance (3). Last evaluated 2025-10-07.

Conditions:
Inborn genetic diseases. Identifiers: MedGen C0950123, MeSH D030342.
Developmental and epileptic encephalopathy, 57. Also called: EPILEPTIC ENCEPHALOPATHY, EARLY INFANTILE, 57. Identifiers: MedGen C4540411, MONDO:0033366, OMIM 617771.

Allele frequency attached by ClinVar (database versions not stated): gnomAD exomes below 0.00001; gnomAD 0.00001; TOPMed 0.00002.
gnomAD v4.1: 2 of 1,610,736 alleles (0.00012%); highest among the groups gnomAD compares: Admixed American, 0.0017%; no homozygotes.

Submissions (3):

Women's Health and Genetics/Laboratory Corporation of America, LabCorp
Classification: Uncertain significance. Last evaluated: 2025-10-07. Review status: criteria provided, single submitter. Criteria: LabCorp Variant Classification Summary - May 2015. Collection method: clinical testing. Allele origin: germline.
Comment: Variant summary: KCNT2 c.2674A>G (p.Met892Val) results in a conservative amino acid change in the encoded protein sequence. Algorithms developed to predict the effect of missense changes on protein structure and function are either unavailable or do not agree on the potential impact of this missense change. The variant was absent in 251378 control chromosomes. The available data on variant occurrences in the general population are insufficient to allow any conclusion about variant significance. To our knowledge, no occurrence of c.2674A>G in individuals affected with KCNT2-related conditions and no experimental evidence demonstrating its impact on protein function have been reported. ClinVar contains an entry for this variant (Variation ID: 1341792). Based on the evidence outlined above, the variant was classified as uncertain significance.

Ambry Genetics
Classification: Uncertain significance for Inborn genetic diseases. Last evaluated: 2024-12-10. Review status: criteria provided, single submitter. Criteria: Ambry Variant Classification Scheme 2023. Collection method: clinical testing. Allele origin: germline.

New York Genome Center
Classification: Uncertain significance for Developmental and epileptic encephalopathy, 57. Last evaluated: 2021-01-29. Review status: criteria provided, single submitter. Criteria: NYGC Assertion Criteria 2020. Collection method: clinical testing. Allele origin: inherited. Observed: 1 heterozygote. Study: CSER-NYCKidSeq.